The following is an entry in ClinVar:

ClinVar aggregate classification (germline): Pathogenic (1 of 4 stars; one submission).

Submission:

Labcorp Genetics (formerly Invitae), Labcorp
Classification: Pathogenic. Last evaluated: 2021-08-09. Review status: criteria provided, single submitter. Criteria: Invitae Variant Classification Sherloc (09022015). Collection method: clinical testing. Allele origin: germline.
Comment: For these reasons, this variant has been classified as Pathogenic. This variant has not been reported in the literature in individuals affected with SLC34A3-related conditions. This variant is not present in population databases (ExAC no frequency). This sequence change creates a premature translational stop signal (p.Pro245Argfs*13) in the SLC34A3 gene. It is expected to result in an absent or disrupted protein product. Loss-of-function variants in SLC34A3 are known to be pathogenic (PMID: 16358214, 16358215, 22159077).

Literature cited by the submitters: PubMed 16358214; PubMed 16358215; PubMed 22159077.

NM_001177316.2(SLC34A3):c.734del (p.Pro245fs)

Gene: SLC34A3 (solute carrier family 34 member 3; plus strand). Cytogenetic location: 9q34.3.
Variant type: Deletion.
Coding change: c.734del on transcript NM_001177316.2 (MANE Select); coding-DNA position 734, one base deleted (C; older notation c.734delC).
Protein change: p.Pro245fs; shifts the reading frame from proline 245.
Molecular consequence: frameshift variant.
Genome position (GRCh38, 1-based): chr9:137,233,382, C deleted; the last of 2 consecutive C bases (chr9:137,233,381-137,233,382); deleting either gives the same sequence. VCF-style (leftmost placement, unchanged base first): chr9-137233380-GC-G. GRCh37 (hg19) VCF-style: chr9-140127832-GC-G.
Other names: c.734del, p.Pro245fs (NM_001177317.2, NM_080877.3); short protein forms P245fs.
Identifiers: ClinVar variation 1418539 (VCV001418539.7), dbSNP rs1169054324, ClinGen allele CA2573144329.